The following is an entry in ClinVar:

ClinVar aggregate classification (germline): Pathogenic (1 of 4 stars; one submission).

Conditions:
Familial cancer of breast. Also called: hereditary breast carcinoma; Hereditary breast cancer; BREAST CANCER, FAMILIAL. Identifiers: Orphanet 227535, MedGen C0346153, MONDO:0016419, OMIM 114480. Disease mechanism: loss of function.

Submission:

Myriad Genetics, Inc.
Classification: Pathogenic for Familial cancer of breast. Last evaluated: 2023-04-12. Review status: criteria provided, single submitter. Criteria: Myriad Autosomal Dominant, Autosomal Recessive and X-Linked Classification Criteria (2023). Collection method: clinical testing. Allele origin: unknown.
Comment: This variant is considered pathogenic. This variant creates a frameshift predicted to result in premature protein truncation.

NM_000051.4(ATM):c.4680del (p.Lys1560fs)

Gene: ATM (ATM serine/threonine kinase; plus strand). Cytogenetic location: 11q22.3.
Variant type: Deletion.
Coding change: c.4680del on transcript NM_000051.4 (MANE Select); coding-DNA position 4680, one base deleted (G; older notation c.4680delG).
Protein change: p.Lys1560fs; shifts the reading frame from lysine 1560.
Molecular consequence: frameshift variant.
Genome position (GRCh38, 1-based): chr11:108,293,381, G deleted. VCF-style (leftmost placement, unchanged base first): chr11-108293380-AG-A. GRCh37 (hg19) VCF-style: chr11-108164107-AG-A.
Other names: c.4680del, p.Lys1560fs (NM_001351834.2); short protein forms K1560fs.
Identifiers: ClinVar variation 2573271 (VCV002573271.1), dbSNP rs2546931152, ClinGen allele CA2580616445.